The following is an entry in ClinVar:

ClinVar aggregate classification (germline): Likely pathogenic (1 of 4 stars; one submission).

Conditions:
Osteoporosis with pseudoglioma (OPPG). Also called: osteoporosis-pseudoglioma syndrome. Identifiers: Orphanet 2788, MedGen C0432252, MONDO:0009820, OMIM 259770.

Submission:

Dasa
Classification: Likely pathogenic for osteoporosis-pseudoglioma syndrome. Last evaluated: 2026-01-20. Review status: criteria provided, single submitter. Criteria: DASA Assertion Criteria. Collection method: clinical testing. Allele origin: germline.
Comment: NM_002335.4(LRP5):c.2005_2008dup (p.Pro670Hisfs*15) is a frameshift variant in LRP5 predicted to alter the reading frame and introduce a premature termination codon and is predicted to result in an absent or altered protein product. Loss of function is an established disease mechanism for LRP5-associated disorders. Also, this variant is absent from population databases. Based on the currently available evidence, this variant is classified as likely pathogenic.

NM_002335.4(LRP5):c.2005_2008dup (p.Pro670fs)

Gene: LRP5 (LDL receptor related protein 5; plus strand). Cytogenetic location: 11q13.2.
Variant type: Duplication.
Coding change: c.2005_2008dup on transcript NM_002335.4 (MANE Select); coding-DNA positions 2005 to 2008, 4 bases duplicated (ATCC; older notation c.2005_2008dupATCC).
Protein change: p.Pro670fs; shifts the reading frame from proline 670.
Molecular consequence: frameshift variant.
Genome position (GRCh38, 1-based): chr11:68,406,727-68,406,730, ATCC duplicated; duplicating any 4 consecutive bases within chr11:68,406,725-68,406,730 gives the same sequence; the c. name uses the placement nearest the transcript's 3' end. VCF-style (leftmost placement, unchanged base first): chr11-68406724-G-GCCAT. GRCh37 (hg19) VCF-style: chr11-68174192-G-GCCAT.
Other names: c.262_265dup, p.Pro89fs (NM_001291902.2); short protein forms P670fs, P89fs.
Identifiers: ClinVar variation 4880744 (VCV004880744.2).
Genomic context (GRCh38, chr11:68,406,724, plus strand): 5'-GTCTTCACCAGCAGAGCCGCCATCCACAGGATCTCCCTCGAGACCAATAACAACGACGTG[G>GCCAT]CCATCCCGCTCACGGGCGTCAAGGAGGCCTCAGCCCTGGACTTTGATGTGTCCAACAACC-3'